The following is an entry in ClinVar:

NM_001368067.1(LDB3):c.779A>G (p.Asn260Ser)

Gene: LDB3 (LIM domain binding 3; plus strand). Cytogenetic location: 10q23.2.
Variant type: single nucleotide variant.
Coding change: c.779A>G on transcript NM_001368067.1 (MANE Plus Clinical); coding-DNA position 779, A replaced by G.
Protein change: p.Asn260Ser; replaces asparagine 260 with serine.
Molecular consequence: missense variant. On other transcripts: intron variant (6).
Genome position (GRCh38, 1-based): chr10:86,699,301, A>G. VCF-style: chr10-86699301-A-G. GRCh37 (hg19) VCF-style: chr10-88459058-A-G.
Other names: c.779A>G, p.Asn260Ser (NM_001080116.1, NM_001368068.1); c.920A>G, p.Asn307Ser (NM_001080115.2, NM_001368063.1); c.1124A>G, p.Asn375Ser (NM_001171611.2); c.896+6730A>G (NM_001368064.1, NM_007078.3, NM_001368065.1); c.1100+6730A>G (NM_001171610.2); c.755+6730A>G (NM_001368066.1, NM_001080114.2); short protein forms N260S, N307S, N375S.
Identifiers: ClinVar variation 970860 (VCV000970860.10), dbSNP rs1299041306, ClinGen allele CA377444978.

ClinVar aggregate classification (germline): Uncertain significance (1 of 4 stars; one submission).

Conditions:
Myofibrillar myopathy 4. Also called: Zaspopathy (type). Identifiers: Orphanet 98912, MedGen C4721886, MONDO:0012277, OMIM 609452.

Submission:

Labcorp Genetics (formerly Invitae), Labcorp
Classification: Uncertain significance for Myofibrillar myopathy 4. Last evaluated: 2019-11-08. Review status: criteria provided, single submitter. Criteria: Invitae Variant Classification Sherloc (09022015). Collection method: clinical testing. Allele origin: germline.
Comment: This sequence change replaces asparagine with serine at codon 260 of the LDB3 protein (p.Asn260Ser). The asparagine residue is weakly conserved and there is a small physicochemical difference between asparagine and serine. This variant is not present in population databases (ExAC no frequency). This variant has not been reported in the literature in individuals with LDB3-related conditions. Algorithms developed to predict the effect of missense changes on protein structure and function are either unavailable or do not agree on the potential impact of this missense change (SIFT: "Deleterious"; PolyPhen-2: "Benign"; Align-GVGD: "Class C0"). In summary, the available evidence is currently insufficient to determine the role of this variant in disease. Therefore, it has been classified as a Variant of Uncertain Significance.